The following is an entry in ClinVar:

ClinVar aggregate classification (germline): Benign. Review status: criteria provided, multiple submitters, no conflicts (2 of 4 stars). 2 submissions from 2 submitters: Benign (2). Last evaluated 2023-11-14.

Allele frequency attached by ClinVar (database versions not stated): gnomAD 0.10844 and 0.11160; TOPMed 0.11116; gnomAD exomes 0.12216; 1000 Genomes Project 0.13359; 1000 Genomes Project 30x 0.13367.
gnomAD v4.1: 194,898 of 1,611,412 alleles (12%); highest among the groups gnomAD compares: Admixed American, 17%; 12,384 homozygotes.

Submissions (2):

Unidad de Genómica Garrahan, Hospital de Pediatría Garrahan
Classification: Benign. Last evaluated: 2023-11-14. Review status: criteria provided, single submitter. Criteria: ACMG Guidelines, 2015. Collection method: clinical testing. Allele origin: germline. Affected: no. Observed: 21 variant alleles.
Comment: This variant is classified as Benign based on local population frequency. This variant was detected in 22% of patients studied by a panel of primary immunodeficiencies. Number of patients: 21. Only high quality variants are reported.

GeneDx
Classification: Benign. Last evaluated: 2018-11-12. Review status: criteria provided, single submitter. Criteria: GeneDx Variant Classification Process June 2021. Collection method: clinical testing. Allele origin: germline. Affected: yes.

NM_148919.4(PSMB8):c.537+63C>T

Gene: PSMB8 (proteasome 20S subunit beta 8; minus strand). Cytogenetic location: 6p21.32.
Variant type: single nucleotide variant.
Coding change: c.537+63C>T on transcript NM_148919.4 (MANE Select); 63 bases into the intron after coding-DNA position 537, C replaced by T.
Molecular consequence: intron variant.
Genome position (GRCh38, 1-based): chr6:32,842,071, G>A on the plus strand (C>T on the coding strand, the complement: PSMB8 is on the minus strand). VCF-style: chr6-32842071-G-A. GRCh37 (hg19) VCF-style: chr6-32809848-G-A.
Other names: c.525+63C>T (NM_004159.5).
Identifiers: ClinVar variation 1277080 (VCV001277080.3), dbSNP rs9357155, ClinGen allele CA15422277.